The following is an entry in ClinVar:

NM_014159.7(SETD2):c.5219G>A (p.Arg1740Gln)

Gene: SETD2 (SET domain containing 2, histone lysine methyltransferase; minus strand). Cytogenetic location: 3p21.31.
Variant type: single nucleotide variant.
Coding change: c.5219G>A on transcript NM_014159.7 (MANE Select); coding-DNA position 5219, G replaced by A.
Protein change: p.Arg1740Gln; replaces arginine 1740 with glutamine.
Molecular consequence: missense variant. On other transcripts: non-coding transcript variant (1).
Genome position (GRCh38, 1-based): chr3:47,088,171, C>T on the plus strand (G>A on the coding strand, the complement: SETD2 is on the minus strand). VCF-style: chr3-47088171-C-T. GRCh37 (hg19) VCF-style: chr3-47129661-C-T.
Other names: c.5219G>A (NM_014159.6); c.5087G>A, p.Arg1696Gln (NM_001349370.3); short protein forms R1696Q, R1740Q.
Identifiers: ClinVar variation 1338780 (VCV001338780.7), dbSNP rs2107651195, ClinGen allele CA352511119.
Genomic context (GRCh38, chr3:47,088,171, plus strand): 5'-ACCTGTATGAGTTCCAGACAGGTAAGTTTCTGCTCCAAAGTTTCAATTCTAACCATTAGC[C>T]GGGATAAGCTGAGCACCTGGTTTTTATCAGAGAGACCCTCACCATTTTCCATCAGAGCTT-3'
Protein context (NP_054878.5, residues 1730-1750): SDKNQVLSLS[Arg1740Gln]LMVRIETLEQ

ClinVar aggregate classification (germline): Pathogenic. Review status: criteria provided, multiple submitters, no conflicts (2 of 4 stars). 5 submissions from 5 submitters: Pathogenic (3). 2 of the submissions do not count toward it. Last evaluated 2024-08-15.

Conditions:
Intellectual developmental disorder, autosomal dominant 70. Identifiers: MedGen C5774271, MONDO:0859333, OMIM 620157.
SETD2-related disorder.
Luscan-Lumish syndrome. Identifiers: Orphanet 597738, MedGen C4085873, MONDO:0014791, OMIM 616831.

Submissions (5):

Blueprint Genetics
Classification: Pathogenic for SETD2-related disorders. Last evaluated: 2024-08-15. Review status: criteria provided, single submitter. Criteria: ACMG Guidelines, 2015. Collection method: clinical testing. Allele origin: germline. Affected: yes. Observed: 2 variant alleles.

GeneDx
Classification: Pathogenic. Last evaluated: 2022-06-26. Review status: criteria provided, single submitter. Criteria: GeneDx Variant Classification Process June 2021. Collection method: clinical testing. Allele origin: germline. Affected: yes.
Comment: Not observed in large population cohorts (gnomAD); In silico analysis supports that this missense variant has a deleterious effect on protein structure/function; This variant is associated with the following publications: (PMID: 32710489, 29276005, 31785789)

Clinical Genetics Service, Universitary Hospital 12 de Octubre
Classification: Pathogenic for Intellectual developmental disorder, autosomal dominant 70. Review status: criteria provided, single submitter. Criteria: ACMG Guidelines, 2015. Collection method: clinical testing. Allele origin: de novo. Affected: yes.

OMIM
Classification: Pathogenic for INTELLECTUAL DEVELOPMENTAL DISORDER, AUTOSOMAL DOMINANT 70. Last evaluated: 2022-12-13. Review status: no assertion criteria provided. Collection method: literature only. Allele origin: germline. Not counted in ClinVar's aggregate classification.

GeneReviews
No classification provided. Condition: Luscan-Lumish syndrome. Review status: no classification provided. Collection method: literature only. Allele origin: germline. Not counted in ClinVar's aggregate classification.
Comment: Only variant known to be assoc w/SETD2-NDD with normal growth & without macrocephaly

Literature cited by the submitters: PubMed 32710489 (cited by OMIM and GeneReviews); NCBI Bookshelf NBK575927 (cited by GeneReviews).